The following is an entry in ClinVar:

NM_198859.4(PRICKLE2):c.1318G>A (p.Glu440Lys)

Gene: PRICKLE2 (prickle planar cell polarity protein 2; minus strand). Cytogenetic location: 3p14.1.
Variant type: single nucleotide variant.
Coding change: c.1318G>A on transcript NM_198859.4 (MANE Select); coding-DNA position 1318, G replaced by A.
Protein change: p.Glu440Lys; replaces glutamic acid 440 with lysine.
Molecular consequence: missense variant.
Genome position (GRCh38, 1-based): chr3:64,147,172, C>T on the plus strand (G>A on the coding strand, the complement: PRICKLE2 is on the minus strand). VCF-style: chr3-64147172-C-T. GRCh37 (hg19) VCF-style: chr3-64132848-C-T.
Other names: c.1318G>A, p.Glu440Lys (NM_001370528.1); short protein forms E440K.
Identifiers: ClinVar variation 577360 (VCV000577360.9), dbSNP rs780771241, ClinGen allele CA2479652.
Genomic context (GRCh38, chr3:64,147,172, plus strand): 5'-GTCCTGTCATGGCCAGTGACGAGCTCCTTTTGGGGTTGCTGAAGTGCTTGCCCCACATTT[C>T]GGGCTGGGCCCCAGCCCCTTGCCCTCCTGGACTGTAGGAAGTTCTGATGTTGCACTGGCT-3'
Protein context (NP_942559.1, residues 430-450): PGGQGAGAQP[Glu440Lys]MWGKHFSNPK

ClinVar aggregate classification (germline): Uncertain significance. Review status: criteria provided, multiple submitters, no conflicts (2 of 4 stars). 2 submissions from 2 submitters: Uncertain significance (2). Last evaluated 2025-03-20.

Conditions:
Progressive myoclonic epilepsy type 5. Identifiers: Orphanet 402082, MedGen C5190799.

Allele frequency attached by ClinVar (database versions not stated): gnomAD 0.00001; gnomAD exomes 0.00001 and 0.00005; ExAC 0.00002; TOPMed 0.00004.
gnomAD v4.1: 18 of 1,613,862 alleles (0.0011%); highest among the groups gnomAD compares: Admixed American, 0.018%; no homozygotes.

Submissions (2):

Labcorp Genetics (formerly Invitae), Labcorp
Classification: Uncertain significance for Progressive myoclonic epilepsy type 5. Last evaluated: 2025-03-20. Review status: criteria provided, single submitter. Criteria: Invitae Variant Classification Sherloc (09022015). Collection method: clinical testing. Allele origin: germline.
Comment: This sequence change replaces glutamic acid, which is acidic and polar, with lysine, which is basic and polar, at codon 440 of the PRICKLE2 protein (p.Glu440Lys). This variant is present in population databases (rs780771241, gnomAD 0.03%). This variant has not been reported in the literature in individuals affected with PRICKLE2-related conditions. ClinVar contains an entry for this variant (Variation ID: 577360). Invitae Evidence Modeling of protein sequence and biophysical properties (such as structural, functional, and spatial information, amino acid conservation, physicochemical variation, residue mobility, and thermodynamic stability) indicates that this missense variant is not expected to disrupt PRICKLE2 protein function with a negative predictive value of 80%. In summary, the available evidence is currently insufficient to determine the role of this variant in disease. Therefore, it has been classified as a Variant of Uncertain Significance.

Ambry Genetics
Classification: Uncertain significance. Last evaluated: 2024-04-01. Review status: criteria provided, single submitter. Criteria: Ambry Variant Classification Scheme 2023. Collection method: clinical testing. Allele origin: germline.